The following is an entry in ClinVar:

NM_000111.3(SLC26A3):c.1718_1719del (p.Lys573fs)

Gene: SLC26A3 (solute carrier family 26 member 3; minus strand). Cytogenetic location: 7q22.3.
Variant type: Deletion.
Coding change: c.1718_1719del on transcript NM_000111.3 (MANE Select); coding-DNA positions 1718 to 1719, 2 bases deleted (AA; older notation c.1718_1719delAA).
Protein change: p.Lys573fs; shifts the reading frame from lysine 573.
Molecular consequence: frameshift variant.
Genome position (GRCh38, 1-based): chr7:107,774,831-107,774,832, TT deleted on the plus strand (AA on the coding strand, the reverse complement: SLC26A3 is on the minus strand); deleting any 2 consecutive bases within chr7:107,774,831-107,774,833 gives the same sequence; the c. name uses the placement nearest the transcript's 3' end. VCF-style (leftmost placement, unchanged base first): chr7-107774830-CTT-C. GRCh37 (hg19) VCF-style: chr7-107415275-CTT-C.
Other names: short protein forms K573fs.
Identifiers: ClinVar variation 2834470 (VCV002834470.3), dbSNP rs2535454710, ClinGen allele CA2739278841.

ClinVar aggregate classification (germline): Pathogenic (1 of 4 stars; one submission).

Submission:

Labcorp Genetics (formerly Invitae), Labcorp
Classification: Pathogenic. Last evaluated: 2023-02-04. Review status: criteria provided, single submitter. Criteria: Invitae Variant Classification Sherloc (09022015). Collection method: clinical testing. Allele origin: germline.
Comment: This sequence change creates a premature translational stop signal (p.Lys573Serfs*26) in the SLC26A3 gene. It is expected to result in an absent or disrupted protein product. Loss-of-function variants in SLC26A3 are known to be pathogenic (PMID: 9718329, 21394828). This variant is not present in population databases (gnomAD no frequency). This variant has not been reported in the literature in individuals affected with SLC26A3-related conditions. For these reasons, this variant has been classified as Pathogenic.

Literature cited by the submitters: PubMed 9718329; PubMed 21394828.